The following is an entry in ClinVar:

ClinVar aggregate classification (germline): Pathogenic (1 of 4 stars; one submission).

Conditions:
Hereditary breast ovarian cancer syndrome. Also called: Hereditary breast and ovarian cancer syndrome; Hereditary breast and/or ovarian cancer syndrome; Hereditary breast and ovarian cancer; Hereditary breast and ovarian cancer syndrome (HBOC); Breast and ovarian cancer; BRCA1- and BRCA2-Associated Hereditary Breast and Ovarian Cancer. Identifiers: Orphanet 145, MedGen C0677776, MeSH D061325, MONDO:0003582. Disease mechanism: loss of function.

Submission:

Labcorp Genetics (formerly Invitae), Labcorp
Classification: Pathogenic for Hereditary breast ovarian cancer syndrome. Last evaluated: 2025-12-26. Review status: criteria provided, single submitter. Criteria: Invitae Variant Classification Sherloc (09022015). Collection method: clinical testing. Allele origin: germline.
Comment: This sequence change creates a premature translational stop signal (p.Ser116Valfs*5) in the BRCA2 gene. It is expected to result in an absent or disrupted protein product. Loss-of-function variants in BRCA2 are known to be pathogenic (PMID: 20104584). This variant is not present in population databases (gnomAD no frequency). This variant has not been reported in the literature in individuals affected with BRCA2-related conditions. ClinVar contains an entry for this variant (Variation ID: 3722751). Algorithms developed to predict the effect of sequence changes on RNA splicing suggest that this variant may disrupt the consensus splice site. For these reasons, this variant has been classified as Pathogenic.

Literature cited by the submitters: PubMed 20104584.

NM_000059.4(BRCA2):c.346del (p.Ser116fs)

Gene: BRCA2 (BRCA2 DNA repair associated; plus strand). Cytogenetic location: 13q13.1.
Variant type: Deletion.
Coding change: c.346del on transcript NM_000059.4 (MANE Select); coding-DNA position 346, one base deleted (A; older notation c.346delA).
Protein change: p.Ser116fs; shifts the reading frame from serine 116.
Molecular consequence: frameshift variant. On other transcripts: 5 prime UTR variant (1), non-coding transcript variant (1).
Genome position (GRCh38, 1-based): chr13:32,325,105, A deleted; the last of 4 consecutive A bases (chr13:32,325,102-32,325,105); deleting any one gives the same sequence. VCF-style (leftmost placement, unchanged base first): chr13-32325101-TA-T. GRCh37 (hg19) VCF-style: chr13-32899238-TA-T.
Other names: c.346del, p.Ser116fs (NM_001406719.1, NM_001406720.1, NM_001406721.1 and 1 more transcripts); c.-24del (NM_001406722.1); short protein forms S116fs.
Identifiers: ClinVar variation 3722751 (VCV003722751.2).